The following is an entry in ClinVar:

NM_000372.5(TYR):c.1026T>G (p.Asn342Lys)

Gene: TYR (tyrosinase; plus strand). Cytogenetic location: 11q14.3.
Variant type: single nucleotide variant.
Coding change: c.1026T>G on transcript NM_000372.5 (MANE Select); coding-DNA position 1026, T replaced by G.
Protein change: p.Asn342Lys; replaces asparagine 342 with lysine.
Molecular consequence: missense variant.
Genome position (GRCh38, 1-based): chr11:89,191,408, T>G. VCF-style: chr11-89191408-T-G. GRCh37 (hg19) VCF-style: chr11-88924576-T-G.
Other names: short protein forms N342K.
Identifiers: ClinVar variation 2581598 (VCV002581598.6), dbSNP rs1565392064, ClinGen allele CA382036101.

ClinVar aggregate classification (germline): Conflicting classifications of pathogenicity. Review status: criteria provided, conflicting classifications (1 of 4 stars). 3 submissions from 3 submitters: Likely pathogenic (2); Uncertain significance (1). Last evaluated 2025-07-31.

Conditions:
Oculocutaneous albinism type 1A (OCA1A). Also called: Albinism, oculocutaneous, type IA. Identifiers: Orphanet 352731, Orphanet 79431, MedGen C4551504, MONDO:0008745, OMIM 203100. Disease mechanism: loss of function.
Oculocutaneous albinism type 1B (OCA1B). Also called: ALBINISM, YELLOW MUTANT TYPE; ALBINISM, OCULOCUTANEOUS, TYPE IB; YELLOW ALBINISM. Identifiers: Orphanet 352731, Orphanet 352737, Orphanet 79434, MedGen C1847024, MONDO:0011749, OMIM 606952.

Allele frequency attached by ClinVar (database versions not stated): gnomAD exomes 0.00001.
gnomAD v4.1: 10 of 1,613,490 alleles (0.00062%); highest among the groups gnomAD compares: Non-Finnish European, 0.00085%; no homozygotes.

Submissions (3):

Women's Health and Genetics/Laboratory Corporation of America, LabCorp
Classification: Uncertain significance. Last evaluated: 2025-07-31. Review status: criteria provided, single submitter. Criteria: LabCorp Variant Classification Summary - May 2015. Collection method: clinical testing. Allele origin: germline.
Comment: Variant summary: TYR c.1026T>G (p.Asn342Lys) results in a non-conservative amino acid change in the encoded protein sequence. Algorithms developed to predict the effect of missense changes on protein structure and function all suggest that this variant is likely to be disruptive. The variant allele was found at a frequency of 4e-06 in 250832 control chromosomes. The available data on variant occurrences in the general population are insufficient to allow any conclusion about variant significance. c.1026T>G has been observed in the presumed compound heterozygous state in at least 1 individual(s) affected with Oculocutaneous Albinism (example, Labcorp Genetics (formerly Invitae)) and in an unknown state in another individual in a cohort with clinical features of Oculocutaneous Albinism (example, Loftus_2023). These data do not allow any conclusion about variant significance. To our knowledge, no experimental evidence demonstrating an impact on protein function has been reported. Further, HGMD cited a different c./same p. variant c.1026T>A p.N342K, however the publication was unavailable for independent review. The following publications have been ascertained in the context of this evaluation (PMID: 37327787). ClinVar contains an entry for this variant (Variation ID: 2581598). Based on the evidence outlined above, the variant was classified as uncertain significance.

Labcorp Genetics (formerly Invitae), Labcorp
Classification: Likely pathogenic. Last evaluated: 2025-01-20. Review status: criteria provided, single submitter. Criteria: Invitae Variant Classification Sherloc (09022015). Collection method: clinical testing. Allele origin: germline.
Comment: This sequence change replaces asparagine, which is neutral and polar, with lysine, which is basic and polar, at codon 342 of the TYR protein (p.Asn342Lys). This variant is not present in population databases (gnomAD no frequency). This missense change has been observed in individual(s) with oculocutaneous albinism (internal data). ClinVar contains an entry for this variant (Variation ID: 2581598). Invitae Evidence Modeling of protein sequence and biophysical properties (such as structural, functional, and spatial information, amino acid conservation, physicochemical variation, residue mobility, and thermodynamic stability) indicates that this missense variant is expected to disrupt TYR protein function with a positive predictive value of 95%. In summary, the currently available evidence indicates that the variant is pathogenic, but additional data are needed to prove that conclusively. Therefore, this variant has been classified as Likely Pathogenic.

Laboratory of Genetic Epidemiology, Research Centre for Medical Genetics
Classification: Likely pathogenic for Oculocutaneous albinism type 1A; Oculocutaneous albinism type 1B. Last evaluated: 2025-01-01. Review status: criteria provided, single submitter. Criteria: ACMG Guidelines, 2015. Collection method: clinical testing. Allele origin: biparental. Inheritance: Autosomal recessive inheritance. Affected: yes. Observed: 1 homozygote.
Comment: This variant has not been previously reported in the literature, however variant resulting in an amino acid substitution that was previously described as pathogenic (HGMD:CM226623) for this disease at the same position (NM_000372.5(TYR):c.1026T>A p.(Asn342Lys). The variant is not listed in gnomAD v3.1.2. Taken together, the variant meets the following ACMG/AMP criteria and can be classified as likely pathogenic with PM2, PM5, PP3, PM3, PP4 criteria.

Literature cited by the submitters: PubMed 37327787 (cited by Women's Health and Genetics/Laboratory Corporation of America, LabCorp); PubMed 41428507 (cited by Laboratory of Genetic Epidemiology, Research Centre for Medical Genetics).